The following is an entry in ClinVar:

ClinVar aggregate classification (germline): Pathogenic. Review status: criteria provided, multiple submitters, no conflicts (2 of 4 stars). 2 submissions from 2 submitters: Pathogenic (2). Last evaluated 2015-01-20.

Conditions:
Hereditary breast ovarian cancer syndrome. Also called: Breast and ovarian cancer; Hereditary breast and ovarian cancer syndrome; Hereditary breast and/or ovarian cancer syndrome; BRCA1- and BRCA2-Associated Hereditary Breast and Ovarian Cancer; Hereditary breast and ovarian cancer; Hereditary breast and ovarian cancer syndrome (HBOC). Identifiers: Orphanet 145, MedGen C0677776, MeSH D061325, MONDO:0003582. Disease mechanism: loss of function.

Submissions (2):

Labcorp Genetics (formerly Invitae), Labcorp
Classification: Pathogenic for BRCA1 and BRCA2 Hereditary Breast and Ovarian Cancer. Last evaluated: 2015-01-20. Review status: criteria provided, single submitter. Criteria: Invitae Variant Classification Sherloc (09022015). Collection method: clinical testing. Allele origin: germline.
Comment: This sequence change is a deletion of 576 bases of the genomic region spanning exon 7 of the BRCA2 gene. The deletions starts at the second nucleotide in exon 7 (c.518), includes all of exon 7 and part of intron 7. This sequence change is expected to result in a frameshift in the BRCA2 protein at codon 173 and although it retains the first nucleotide of exon 7, it is a complete loss of exon 7 protein coding sequence (p.Gly173_Ser210del). This deletion also leads in loss of a splice site at the end of exon 7 which will result in incorrect splicing of the remaining exons and ultimately a loss of function of the BRCA2 protein. Exon 7 deletions been reported in the literature in individuals and families with Fanconi Anemia type D1 (FANCD1) and is not present in population databases. Multiple examples of sequence changes that lead ultimately to exon 7 deletions due to splice site mutations in conjunction with other pathogenic BRCA2 mutations have been well documented in patients with recessively inherited FANCD1 and related cancers (PMID: 24301060, 15645491, 15070707). In addition, exon 7 deletion is reported in a family with breast/ovarian cancer due to a splice site mutation (PMID: 18821011). In summary, exon 7 deletion in the BRCA2 mRNA and encoded protein has been reported as a pathogenic sequence change in multiple individuals and families with various cancer phenotypes. For these reasons, this sequence change has been classified as Pathogenic.

Department of Pathology and Laboratory Medicine, Sinai Health System
Classification: Pathogenic for Hereditary breast ovarian cancer syndrome. Last evaluated: 2012-05-09. Review status: criteria provided, single submitter. Criteria: ACMG Guidelines, 2015. Collection method: clinical testing. Allele origin: germline. Affected: yes. Study: The Canadian Open Genetics Repository (COGR).

Literature cited by the submitters: PubMed 21735045 (cited by Department of Pathology and Laboratory Medicine, Sinai Health System).

NM_000059.3(BRCA2):c.517-?_631+?del

Gene: BRCA2 (BRCA2 DNA repair associated; plus strand). Cytogenetic location: 13q13.1.
Variant type: Deletion.
Coding change: c.517-?_631+?del on transcript NM_000059.3.
Other names: c.517-?_631+?del (LRG_293t1).
Identifiers: ClinVar variation 188380 (VCV000188380.1).